The following is an entry in ClinVar:

ClinVar aggregate classification (germline): Uncertain significance (1 of 4 stars; one submission).

Conditions:
Inborn genetic diseases. Identifiers: MedGen C0950123, MeSH D030342.

gnomAD v4.1: 1 of 1,555,074 alleles (0.000064%); highest among the groups gnomAD compares: Non-Finnish European, 0.000087%; no homozygotes.

Submission:

Ambry Genetics
Classification: Uncertain significance for Inborn genetic diseases. Last evaluated: 2024-09-24. Review status: criteria provided, single submitter. Criteria: Ambry Variant Classification Scheme 2023. Collection method: clinical testing. Allele origin: germline.
Comment: The p.Q482R variant (also known as c.1445A>G), located in coding exon 10 of the ACD gene, results from an A to G substitution at nucleotide position 1445. The glutamine at codon 482 is replaced by arginine, an amino acid with highly similar properties. This amino acid position is conserved. In addition, this alteration is predicted to be tolerated by in silico analysis. Based on the available evidence, the clinical significance of this variant remains unclear.

NM_001082486.2(ACD):c.1187A>G (p.Gln396Arg)

Gene: ACD (ACD shelterin complex subunit and telomerase recruitment factor; minus strand). Cytogenetic location: 16q22.1.
Variant type: single nucleotide variant.
Coding change: c.1187A>G on transcript NM_001082486.2 (MANE Select); coding-DNA position 1187, A replaced by G.
Protein change: p.Gln396Arg; replaces glutamine 396 with arginine.
Molecular consequence: missense variant.
Genome position (GRCh38, 1-based): chr16:67,658,005, T>C on the plus strand (A>G on the coding strand, the complement: ACD is on the minus strand). VCF-style: chr16-67658005-T-C. GRCh37 (hg19) VCF-style: chr16-67691908-T-C.
Other names: c.1100A>G, p.Gln367Arg (NM_001410884.1); c.1178A>G, p.Gln393Arg (NM_022914.3); short protein forms Q393R, Q396R, Q367R.
Identifiers: ClinVar variation 3480287 (VCV003480287.1).